The following is an entry in ClinVar:

NM_000040.3(APOC3):c.70G>A (p.Glu24Lys)

Gene: APOC3 (apolipoprotein C3; plus strand). Cytogenetic location: 11q23.3.
Variant type: single nucleotide variant.
Coding change: c.70G>A on transcript NM_000040.3 (MANE Select); coding-DNA position 70, G replaced by A.
Protein change: p.Glu24Lys; replaces glutamic acid 24 with lysine.
Molecular consequence: missense variant.
Genome position (GRCh38, 1-based): chr11:116,830,787, G>A. VCF-style: chr11-116830787-G-A. GRCh37 (hg19) VCF-style: chr11-116701503-G-A.
Other names: short protein forms E24K.
Identifiers: ClinVar variation 1757171 (VCV001757171.5), dbSNP rs963060587, ClinGen allele CA229318471.

ClinVar aggregate classification (germline): Uncertain significance. Review status: criteria provided, multiple submitters, no conflicts (2 of 4 stars). 2 submissions from 2 submitters: Uncertain significance (2). Last evaluated 2024-12-08.

Conditions:
Cardiovascular phenotype. Identifiers: MedGen CN230736.

Allele frequency attached by ClinVar (database versions not stated): TOPMed 0.00001.

Submissions (2):

Ambry Genetics
Classification: Uncertain significance for Cardiovascular phenotype. Last evaluated: 2024-12-08. Review status: criteria provided, single submitter. Criteria: Ambry Variant Classification Scheme 2023. Collection method: clinical testing. Allele origin: germline.
Comment: The p.E24K variant (also known as c.70G>A), located in coding exon 2 of the APOC3 gene, results from a G to A substitution at nucleotide position 70. The glutamic acid at codon 24 is replaced by lysine, an amino acid with similar properties. This amino acid position is conserved. In addition, this alteration is predicted to be tolerated by in silico analysis. Since supporting evidence is limited at this time, the clinical significance of this alteration remains unclear.

Labcorp Genetics (formerly Invitae), Labcorp
Classification: Uncertain significance. Last evaluated: 2024-03-03. Review status: criteria provided, single submitter. Criteria: Invitae Variant Classification Sherloc (09022015). Collection method: clinical testing. Allele origin: germline.
Comment: This sequence change replaces glutamic acid, which is acidic and polar, with lysine, which is basic and polar, at codon 24 of the APOC3 protein (p.Glu24Lys). This variant is present in population databases (no rsID available, gnomAD 0.003%). This variant has not been reported in the literature in individuals affected with APOC3-related conditions. ClinVar contains an entry for this variant (Variation ID: 1757171). Algorithms developed to predict the effect of missense changes on protein structure and function output the following: SIFT: "Not Available"; PolyPhen-2: "Not Available"; Align-GVGD: "Not Available". The lysine amino acid residue is found in multiple mammalian species, which suggests that this missense change does not adversely affect protein function. In summary, the available evidence is currently insufficient to determine the role of this variant in disease. Therefore, it has been classified as a Variant of Uncertain Significance.